The following is an entry in ClinVar:

ClinVar aggregate classification (germline): Uncertain significance (1 of 4 stars; one submission).

Submission:

GeneDx
Classification: Uncertain significance. Last evaluated: 2025-06-30. Review status: criteria provided, single submitter. Criteria: GeneDx Variant Classification Process June 2021. Collection method: clinical testing. Allele origin: germline. Affected: yes.
Comment: Not observed at significant frequency in large population cohorts (gnomAD); In silico analysis supports a deleterious effect on splicing; Has not been previously published as pathogenic or benign to our knowledge

NM_001378964.1(CDON):c.2343A>G (p.Glu781=)

Gene: CDON (cell adhesion associated, oncogene regulated; minus strand). Cytogenetic location: 11q24.2.
Variant type: single nucleotide variant.
Coding change: c.2343A>G on transcript NM_001378964.1 (MANE Select); coding-DNA position 2343, A replaced by G.
Protein change: p.Glu781=; no amino-acid change (glutamic acid 781 retained).
Molecular consequence: synonymous variant.
Genome position (GRCh38, 1-based): chr11:125,997,226, T>C on the plus strand (A>G on the coding strand, the complement: CDON is on the minus strand). VCF-style: chr11-125997226-T-C. GRCh37 (hg19) VCF-style: chr11-125867121-T-C.
Other names: c.2343A>G, p.Glu781= (NM_001243597.3, NM_016952.6).
Identifiers: ClinVar variation 3383666 (VCV003383666.1).